The following is an entry in ClinVar:

ClinVar aggregate classification (germline): Benign. Review status: criteria provided, multiple submitters, no conflicts (2 of 4 stars). 7 submissions from 5 submitters: Benign (5). 2 of the submissions do not count toward it. Last evaluated 2021-07-14.

Conditions:
Retinitis pigmentosa (RP). Identifiers: Orphanet 791, MedGen C0035334, MeSH D012174, MONDO:0019200, OMIM 268000. Inheritance: Autosomal dominant, autosomal recessive and X linked inheritance.
Retinitis pigmentosa 40 (RP40). Identifiers: Orphanet 791, MedGen C3151107, MONDO:0013429, OMIM 613801.
Congenital stationary night blindness autosomal dominant 2. Also called: NIGHT BLINDNESS, CONGENITAL STATIONARY, RAMBUSCH TYPE. Identifiers: Orphanet 215, MedGen C1876182, MONDO:0008099, OMIM 163500.

Allele frequency attached by ClinVar (database versions not stated): 1000 Genomes Project 30x 0.54716; 1000 Genomes Project 0.54792; TOPMed 0.56800; ESP Exome Variant Server 0.57927; gnomAD 0.58217 and 0.58362; ExAC 0.61462; gnomAD exomes 0.61519 and 0.64248.
gnomAD v4.1: 1,023,950 of 1,610,026 alleles (64%); highest among the groups gnomAD compares: Non-Finnish European, 66%; 329,275 homozygotes.

Submissions (7):

Genome-Nilou Lab
Classification: Benign for Congenital stationary night blindness autosomal dominant 2. Last evaluated: 2021-07-14. Review status: criteria provided, single submitter. Criteria: ACMG Guidelines, 2015. Collection method: clinical testing. Allele origin: germline. Affected: no.

Genome-Nilou Lab
Classification: Benign for Retinitis pigmentosa 40. Last evaluated: 2021-07-14. Review status: criteria provided, single submitter. Criteria: ACMG Guidelines, 2015. Collection method: clinical testing. Allele origin: germline. Affected: no.

Illumina Laboratory Services, Illumina
Classification: Benign for Retinitis pigmentosa. Last evaluated: 2018-01-12. Review status: criteria provided, single submitter. Criteria: ICSL Variant Classification Criteria 13 December 2019. Collection method: clinical testing. Allele origin: germline.
Comment: This variant was observed in the ICSL laboratory as part of a predisposition screen in an ostensibly healthy population. It had not been previously curated by ICSL or reported in the Human Gene Mutation Database (HGMD: prior to June 1st, 2018), and was therefore a candidate for classification through an automated scoring system. Utilizing variant allele frequency, disease prevalence and penetrance estimates, and inheritance mode, an automated score was calculated to assess if this variant is too frequent to cause the disease. Based on the score and internal cut-off values, a variant classified as benign is not then subjected to further curation. The score for this variant resulted in a classification of benign for this disease.

Illumina Laboratory Services, Illumina
Classification: Benign for Congenital stationary night blindness autosomal dominant 2. Last evaluated: 2018-01-12. Review status: criteria provided, single submitter. Criteria: ICSL Variant Classification Criteria 13 December 2019. Collection method: clinical testing. Allele origin: germline.
Comment: the same text as in the submission from Illumina Laboratory Services, Illumina above.

Breakthrough Genomics
Classification: Benign. Review status: criteria provided, single submitter. Criteria: ACMG Guidelines, 2015. Collection method: not provided. Allele origin: germline. Inheritance: Autosomal recessive inheritance. Affected: yes.

Diagnostic Laboratory, Department of Genetics, University Medical Center Groningen
Classification: Benign. Review status: no assertion criteria provided. Collection method: clinical testing. Allele origin: germline. Affected: yes. Study: VKGL Data-share Consensus. Not counted in ClinVar's aggregate classification.

Joint Genome Diagnostic Labs from Nijmegen and Maastricht, Radboudumc and MUMC+
Classification: Benign. Review status: no assertion criteria provided. Collection method: clinical testing. Allele origin: germline. Affected: yes. Study: VKGL Data-share Consensus. Not counted in ClinVar's aggregate classification.

NM_000283.4(PDE6B):c.*12A>G

Gene: PDE6B (phosphodiesterase 6B; plus strand). Cytogenetic location: 4p16.3.
Variant type: single nucleotide variant.
Coding change: c.*12A>G on transcript NM_000283.4 (MANE Select); 12 bases downstream of the stop codon, A replaced by G.
Molecular consequence: 3 prime UTR variant. On other transcripts: missense variant (2).
Genome position (GRCh38, 1-based): chr4:670,119, A>G. VCF-style: chr4-670119-A-G. GRCh37 (hg19) VCF-style: chr4-663908-A-G.
Other names: c.*12A>G (NM_001379246.1, NM_001379247.1, NM_001145291.2 and 1 more transcripts); c.1675A>G, p.Met559Val (NM_001350154.3); c.1357A>G, p.Met453Val (NM_001350155.3); short protein forms M559V, M453V.
Identifiers: ClinVar variation 349400 (VCV000349400.14), dbSNP rs28675771, ClinGen allele CA2795118.